The following is an entry in ClinVar:

ClinVar aggregate classification (germline): Uncertain significance. Review status: criteria provided, multiple submitters, no conflicts (2 of 4 stars). 2 submissions from 2 submitters: Uncertain significance (2). Last evaluated 2025-05-26.

Conditions:
Developmental and epileptic encephalopathy, 54. Also called: Epileptic encephalopathy, early infantile, 54; HNRNPU-Related Neurodevelopmental Disorder. Identifiers: MedGen C4479319, MONDO:0033363, OMIM 617391.
Inborn genetic diseases. Identifiers: MedGen C0950123, MeSH D030342.

gnomAD v4.1: 1 of 1,614,064 alleles (0.000062%); highest among the groups gnomAD compares: Non-Finnish European, 0.000085%; no homozygotes.

Submissions (2):

Labcorp Genetics (formerly Invitae), Labcorp
Classification: Uncertain significance for Developmental and epileptic encephalopathy, 54. Last evaluated: 2025-05-26. Review status: criteria provided, single submitter. Criteria: Invitae Variant Classification Sherloc (09022015). Collection method: clinical testing. Allele origin: germline.
Comment: This sequence change replaces leucine, which is neutral and non-polar, with phenylalanine, which is neutral and non-polar, at codon 677 of the HNRNPU protein (p.Leu677Phe). This variant is not present in population databases (gnomAD no frequency). This variant has not been reported in the literature in individuals affected with HNRNPU-related conditions. Invitae Evidence Modeling of protein sequence and biophysical properties (such as structural, functional, and spatial information, amino acid conservation, physicochemical variation, residue mobility, and thermodynamic stability) has been performed for this missense variant. However, the output from this modeling did not meet the statistical confidence thresholds required to predict the impact of this variant on HNRNPU protein function. In summary, the available evidence is currently insufficient to determine the role of this variant in disease. Therefore, it has been classified as a Variant of Uncertain Significance.

Ambry Genetics
Classification: Uncertain significance for Inborn genetic diseases. Last evaluated: 2025-05-04. Review status: criteria provided, single submitter. Criteria: Ambry Variant Classification Scheme 2023. Collection method: clinical testing. Allele origin: germline.

NM_031844.3(HNRNPU):c.2029C>T (p.Leu677Phe)

Gene: HNRNPU (heterogeneous nuclear ribonucleoprotein U; minus strand). Cytogenetic location: 1q44.
Variant type: single nucleotide variant.
Coding change: c.2029C>T on transcript NM_031844.3 (MANE Select); coding-DNA position 2029, C replaced by T.
Protein change: p.Leu677Phe; replaces leucine 677 with phenylalanine.
Molecular consequence: missense variant.
Genome position (GRCh38, 1-based): chr1:244,856,042, G>A on the plus strand (C>T on the coding strand, the complement: HNRNPU is on the minus strand). VCF-style: chr1-244856042-G-A. GRCh37 (hg19) VCF-style: chr1-245019344-G-A.
Other names: c.1972C>T, p.Leu658Phe (NM_004501.3); short protein forms L658F, L677F.
Identifiers: ClinVar variation 4035775 (VCV004035775.2).